The following is an entry in ClinVar:

ClinVar aggregate classification (germline): Pathogenic (1 of 4 stars; one submission).

Conditions:
Charcot-Marie-Tooth disease axonal type 2N (CMT2N). Also called: CHARCOT-MARIE-TOOTH DISEASE, AXONAL, AUTOSOMAL DOMINANT, TYPE 2N; CHARCOT-MARIE-TOOTH NEUROPATHY, AXONAL, TYPE 2N; Charcot-Marie-Tooth Neuropathy Type 2N. Identifiers: Orphanet 228174, MedGen C2750090, MONDO:0013212, OMIM 613287.

Submission:

MVZ Medizinische Genetik Mainz
Classification: Pathogenic for Charcot-Marie-Tooth disease axonal type 2N. Last evaluated: 2025-03-03. Review status: criteria provided, single submitter. Criteria: UK Practice Guidelines For Variant Classification V4 01 2020. Collection method: clinical testing. Allele origin: germline. Inheritance: Autosomal recessive inheritance. Affected: yes. Observed: 1 variant allele.
Comment: ACMG Criteria: PVS1,PM2_SUP,PP4

NM_001605.3(AARS1):c.2160_2169del (p.Glu721fs)

Gene: AARS1 (alanyl-tRNA synthetase 1; minus strand). Cytogenetic location: 16q22.1.
Variant type: Deletion.
Coding change: c.2160_2169del on transcript NM_001605.3 (MANE Select); coding-DNA positions 2160 to 2169, 10 bases deleted (TGAGTTCTGT; older notation c.2160_2169delTGAGTTCTGT).
Protein change: p.Glu721fs; shifts the reading frame from glutamic acid 721.
Molecular consequence: frameshift variant.
Genome position (GRCh38, 1-based): chr16:70,258,041-70,258,050, ACAGAACTCA deleted on the plus strand (TGAGTTCTGT on the coding strand, the reverse complement: AARS1 is on the minus strand); deleting any 10 consecutive bases within chr16:70,258,041-70,258,056 gives the same sequence; the c. name uses the placement nearest the transcript's 3' end. VCF-style (leftmost placement, unchanged base first): chr16-70258040-CACAGAACTCA-C. GRCh37 (hg19) VCF-style: chr16-70291943-CACAGAACTCA-C.
Other names: short protein forms E721fs.
Identifiers: ClinVar variation 3774576 (VCV003774576.1).
Genomic context (GRCh38, chr16:70,258,040, plus strand): 5'-CTCAGAGGATGAAGGTAGATGACCTGTCTACTCTGCCCCTCTGCAGTACTCACGTTCCCC[CACAGAACTCA>C]ACAGAAGTCAGGGAGCCAGCAGGCCCAGAGGGGTCATCCAGCAACTCGGACACCGGGACC-3'